The following is an entry in ClinVar:

ClinVar aggregate classification (germline): Uncertain significance. Review status: criteria provided, multiple submitters, no conflicts (2 of 4 stars). 2 submissions from 2 submitters: Uncertain significance (2). Last evaluated 2025-12-08.

Conditions:
Cardiovascular phenotype. Identifiers: MedGen CN230736.
Dilated cardiomyopathy 1II (CMD1II). Identifiers: Orphanet 154, MedGen C3554649, MONDO:0014073, OMIM 615184.

Allele frequency attached by ClinVar (database versions not stated): gnomAD 0.00001; gnomAD exomes 0.00001; TOPMed 0.00001.
gnomAD v4.1: 13 of 1,613,210 alleles (0.00081%); highest among the groups gnomAD compares: African/African-American, 0.0027%; no homozygotes.

Submissions (2):

Labcorp Genetics (formerly Invitae), Labcorp
Classification: Uncertain significance for Dilated cardiomyopathy 1II. Last evaluated: 2025-12-08. Review status: criteria provided, single submitter. Criteria: Invitae Variant Classification Sherloc (09022015). Collection method: clinical testing. Allele origin: germline.
Comment: This sequence change replaces serine, which is neutral and polar, with glycine, which is neutral and non-polar, at codon 45 of the CRYAB protein (p.Ser45Gly). This variant is not present in population databases (gnomAD no frequency). This missense change has been observed in individual(s) with clinical features of CRYAB-related conditions (PMID: 21520333). ClinVar contains an entry for this variant (Variation ID: 933611). An algorithm developed to predict the effect of missense changes on protein structure and function (PolyPhen-2) suggests that this variant is likely to be tolerated. In summary, the available evidence is currently insufficient to determine the role of this variant in disease. Therefore, it has been classified as a Variant of Uncertain Significance.

Ambry Genetics
Classification: Uncertain significance for Cardiovascular phenotype. Last evaluated: 2024-05-05. Review status: criteria provided, single submitter. Criteria: Ambry Variant Classification Scheme 2023. Collection method: clinical testing. Allele origin: germline.
Comment: The p.S45G variant (also known as c.133A>G), located in coding exon 1 of the CRYAB gene, results from an A to G substitution at nucleotide position 133. The serine at codon 45 is replaced by glycine, an amino acid with similar properties. This amino acid position is conserved. In addition, the in silico prediction for this alteration is inconclusive. Based on the available evidence, the clinical significance of this variant remains unclear.

Literature cited by the submitters: PubMed 21520333 (cited by Labcorp Genetics (formerly Invitae), Labcorp).

NM_001289808.2(CRYAB):c.133A>G (p.Ser45Gly)

Gene: CRYAB (crystallin alpha B; minus strand). Cytogenetic location: 11q23.1.
Variant type: single nucleotide variant.
Coding change: c.133A>G on transcript NM_001289808.2 (MANE Select); coding-DNA position 133, A replaced by G.
Protein change: p.Ser45Gly; replaces serine 45 with glycine.
Molecular consequence: missense variant.
Genome position (GRCh38, 1-based): chr11:111,911,592, T>C on the plus strand (A>G on the coding strand, the complement: CRYAB is on the minus strand). VCF-style: chr11-111911592-T-C. GRCh37 (hg19) VCF-style: chr11-111782316-T-C.
Other names: c.133A>G, p.Ser45Gly (NM_001289807.1, NM_001368245.1, NM_001885.3); c.133A>G (NM_001885.1); short protein forms S45G.
Identifiers: ClinVar variation 933611 (VCV000933611.10), dbSNP rs1450798906, ClinGen allele CA382600496.
Genomic context (GRCh38, chr11:111,911,592, plus strand): 5'-GTCCAGTGTCAAACCAGCTGGGTGCCCGCAGGAAGGAGGGTGGCCGAAGGTAGAAGGGAC[T>C]CAGGGAAGTAGACGTCGGGAAAAGATCAGACTCCAACAGGTGCTCTCCGAAGAACTGGTC-3'
Protein context (NP_001276737.1, residues 35-55): SDLFPTSTSL[Ser45Gly]PFYLRPPSFL